The following is an entry in ClinVar:

NM_012335.4(MYO1F):c.3228G>A (p.Ser1076=)

Gene: MYO1F (myosin IF; minus strand). Cytogenetic location: 19p13.2.
Variant type: single nucleotide variant.
Coding change: c.3228G>A on transcript NM_012335.4 (MANE Select); coding-DNA position 3228, G replaced by A.
Protein change: p.Ser1076=; no amino-acid change (serine 1076 retained).
Molecular consequence: synonymous variant.
Genome position (GRCh38, 1-based): chr19:8,521,597, C>T on the plus strand (G>A on the coding strand, the complement: MYO1F is on the minus strand). VCF-style: chr19-8521597-C-T. GRCh37 (hg19) VCF-style: chr19-8586481-C-T.
Other names: c.3216G>A, p.Ser1072= (NM_001348355.2).
Identifiers: ClinVar variation 3052196 (VCV003052196.2), dbSNP rs775985136, ClinGen allele CA9158605.

ClinVar aggregate classification (germline): Likely benign (0 of 4 stars; one submission).

Conditions:
MYO1F-related disorder. Also called: MYO1F-related condition.

Allele frequency attached by ClinVar (database versions not stated): gnomAD 0.00001; TOPMed 0.00006; ExAC 0.00015.
gnomAD v4.1: 71 of 1,613,912 alleles (0.0044%); highest among the groups gnomAD compares: East Asian, 0.058%; no homozygotes.

Submission:

PreventionGenetics, part of Exact Sciences
Classification: Likely benign for MYO1F-related condition. Last evaluated: 2020-02-26. Review status: no assertion criteria provided. Collection method: clinical testing. Allele origin: germline.
Comment: This variant is classified as likely benign based on ACMG/AMP sequence variant interpretation guidelines (Richards et al. 2015 PMID: 25741868, with internal and published modifications).